The following is an entry in ClinVar:

NM_001853.4(COL9A3):c.1449C>T (p.Asn483=)

Genes: COL9A3 (collagen type IX alpha 3 chain; plus strand), LOC126863084 (MED14-independent group 3 enhancer GRCh37_chr20:61467141-61468340; plus strand). Cytogenetic location: 20q13.33.
Variant type: single nucleotide variant.
Coding change: c.1449C>T on transcript NM_001853.4 (MANE Select); coding-DNA position 1449, C replaced by T.
Protein change: p.Asn483=; no amino-acid change (asparagine 483 retained).
Molecular consequence: synonymous variant.
Genome position (GRCh38, 1-based): chr20:62,836,234, C>T. VCF-style: chr20-62836234-C-T. GRCh37 (hg19) VCF-style: chr20-61467586-C-T.
Other names: c.1449C>T, p.Asn483= (LRG_1253t1).
Identifiers: ClinVar variation 339293 (VCV000339293.43), dbSNP rs151056612, ClinGen allele CA9949988.

ClinVar aggregate classification (germline): Benign/Likely benign. Review status: criteria provided, multiple submitters, no conflicts (2 of 4 stars). 6 submissions from 6 submitters: Benign (2); Likely benign (4). Last evaluated 2026-06-01.

Conditions:
Connective tissue disorder. Also called: Connective tissue disease. Identifiers: MedGen C0009782, MONDO:0003900.

Allele frequency attached by ClinVar (database versions not stated): 1000 Genomes Project 0.00100; 1000 Genomes Project 30x 0.00109; gnomAD 0.00172; TOPMed 0.00213; ESP Exome Variant Server 0.00231.
gnomAD v4.1: 5,575 of 1,613,672 alleles (0.35%); highest among the groups gnomAD compares: Non-Finnish European, 0.41%; 14 homozygotes.

Submissions (6):

CeGaT Center for Human Genetics Tuebingen
Classification: Likely benign. Last evaluated: 2026-06-01. Review status: criteria provided, single submitter. Criteria: CeGaT Center For Human Genetics Tuebingen Variant Classification Criteria Version 2. Collection method: clinical testing. Allele origin: germline. Affected: yes. Observed: 9 variant alleles.
Comment: COL9A3: BP4, BP7, BS2

Women's Health and Genetics/Laboratory Corporation of America, LabCorp
Classification: Benign. Last evaluated: 2026-05-11. Review status: criteria provided, single submitter. Criteria: LabCorp Variant Classification Summary - May 2015. Collection method: clinical testing. Allele origin: germline.

Labcorp Genetics (formerly Invitae), Labcorp
Classification: Benign. Last evaluated: 2026-02-01. Review status: criteria provided, single submitter. Criteria: Invitae Variant Classification Sherloc (09022015). Collection method: clinical testing. Allele origin: germline.

Blueprint Genetics
Classification: Likely benign. Last evaluated: 2024-11-28. Review status: criteria provided, single submitter. Criteria: ACMG Guidelines, 2015. Collection method: clinical testing. Allele origin: germline.

Genome Diagnostics Laboratory, The Hospital for Sick Children
Classification: Likely benign for Connective tissue disorder. Last evaluated: 2021-11-04. Review status: criteria provided, single submitter. Criteria: ACMG Guidelines, 2015. Collection method: clinical testing. Allele origin: germline.

GeneDx
Classification: Likely benign. Last evaluated: 2020-12-04. Review status: criteria provided, single submitter. Criteria: GeneDx Variant Classification Process June 2021. Collection method: clinical testing. Allele origin: germline. Affected: yes.